The following is an entry in ClinVar:

NM_206926.2(SELENON):c.301+921C>T

Gene: SELENON (selenoprotein N; plus strand). Cytogenetic location: 1p36.11.
Variant type: single nucleotide variant.
Coding change: c.301+921C>T on transcript NM_206926.2 (MANE Select); 921 bases into the intron after coding-DNA position 301, C replaced by T.
Molecular consequence: intron variant. On other transcripts: missense variant (1).
Genome position (GRCh38, 1-based): chr1:25,802,081, C>T. VCF-style: chr1-25802081-C-T. GRCh37 (hg19) VCF-style: chr1-26128572-C-T.
Other names: c.367C>T, p.Pro123Ser (NM_020451.3); short protein forms P123S.
Identifiers: ClinVar variation 2077360 (VCV002077360.4), dbSNP rs1200087696, ClinGen allele CA339107705.

ClinVar aggregate classification (germline): Uncertain significance (1 of 4 stars; one submission).

Conditions:
Eichsfeld type congenital muscular dystrophy (CMYO3). Also called: Rigid spine muscular dystrophy 1; MYOPATHY, SEPN1-RELATED; SELENON-related myopathy; Congenital myopathy 3 with rigid spine. Identifiers: MedGen C0410180, MONDO:0100100, OMIM 602771.

Allele frequency attached by ClinVar (database versions not stated): gnomAD exomes 0.00001.

Submission:

Labcorp Genetics (formerly Invitae), Labcorp
Classification: Uncertain significance for Eichsfeld type congenital muscular dystrophy. Last evaluated: 2022-08-01. Review status: criteria provided, single submitter. Criteria: Invitae Variant Classification Sherloc (09022015). Collection method: clinical testing. Allele origin: germline.
Comment: In summary, the available evidence is currently insufficient to determine the role of this variant in disease. Therefore, it has been classified as a Variant of Uncertain Significance. Algorithms developed to predict the effect of missense changes on protein structure and function are either unavailable or do not agree on the potential impact of this missense change (SIFT: "Deleterious"; PolyPhen-2: "Benign"; Align-GVGD: "Class C0"). This variant has not been reported in the literature in individuals affected with SELENON-related conditions. This variant is present in population databases (no rsID available, gnomAD 0.008%). This sequence change replaces proline, which is neutral and non-polar, with serine, which is neutral and polar, at codon 123 of the SELENON protein (p.Pro123Ser).